The following is an entry in ClinVar:

ClinVar aggregate classification (germline): Pathogenic (0 of 4 stars; one submission).

Conditions:
Congenital heart disease (CHD). Identifiers: MedGen C0152021, MONDO:0005453. Disease mechanism: unknown.

Submission:

Cytogenetics- Mohapatra Lab, Banaras Hindu University
Classification: Pathogenic for Congenital heart disease. Last evaluated: 2013-07-18. Review status: no assertion criteria provided. Collection method: case-control. Allele origin: unknown. Affected: yes. Observed: 4 variant alleles.
Comment: 1 Individual diagnosed withTetralogy of Fallot, 1 Individual diagnosed with Persistent truncus arteriosus and Ventricular septal defect, 1 individual diagnosed with Atrial septal defect+ventricular septal defect+Pulmonary stenosis, 1 individual diagnosed with Atrial septal defect

NM_001308093.3(GATA4):c.1000+2T>G

Gene: GATA4 (GATA binding protein 4). Cytogenetic location: 8p23.1.
Variant type: single nucleotide variant.
Coding change: c.1000+2T>G on transcript NM_001308093.3 (MANE Select); the canonical splice donor site of the intron after coding-DNA position 1000, T replaced by G.
Molecular consequence: splice donor variant.
Genome position (GRCh38, 1-based): chr8:11,755,135, T>G. VCF-style: chr8-11755135-T-G. GRCh37 (hg19) VCF-style: chr8-11612644-T-G.
Other names: c.379+2T>G (NM_001308094.2, NM_001374273.1); c.997+2T>G (NM_002052.5); c.253+2T>G (NM_001374274.1).
Identifiers: ClinVar variation 219233 (VCV000219233.2), dbSNP rs864321705, ClinGen allele CA347952.